The following is an entry in ClinVar:

ClinVar aggregate classification (germline): Likely benign (1 of 4 stars; one submission).

gnomAD v4.1: 7,587 of 1,607,220 alleles (0.47%); highest among the groups gnomAD compares: Middle Eastern, 1.8%; 43 homozygotes.

Submissions (9):

CeGaT Center for Human Genetics Tuebingen
Classification: Likely benign. Last evaluated: 2026-02-01. Review status: criteria provided, single submitter. Criteria: CeGaT Center For Human Genetics Tuebingen Variant Classification Criteria Version 2. Collection method: clinical testing. Allele origin: germline. Affected: yes. Observed: 2 variant alleles.
Comment: ERBB3: BS2

Dr. Peter K. Rogan Lab, Western University
No classification provided (evidence only). Condition: Lung cancer. Review status: no classification provided. Collection method: in vitro. Allele origin: not applicable. Functional consequence: retained intron. Not counted in ClinVar's aggregate classification.

Dr. Peter K. Rogan Lab, Western University
No classification provided (evidence only). Condition: Lung cancer. Review status: no classification provided. Collection method: in vitro. Allele origin: not applicable. Functional consequence: retained intron. Not counted in ClinVar's aggregate classification.

Dr. Peter K. Rogan Lab, Western University
No classification provided (evidence only). Condition: Lung cancer. Review status: no classification provided. Collection method: in vitro. Allele origin: not applicable. Functional consequence: retained intron. Not counted in ClinVar's aggregate classification.

Dr. Peter K. Rogan Lab, Western University
No classification provided (evidence only). Condition: Lung cancer. Review status: no classification provided. Collection method: in vitro. Allele origin: not applicable. Functional consequence: retained intron. Not counted in ClinVar's aggregate classification.

Dr. Peter K. Rogan Lab, Western University
No classification provided (evidence only). Condition: Lung cancer. Review status: no classification provided. Collection method: in vitro. Allele origin: not applicable. Functional consequence: retained intron. Not counted in ClinVar's aggregate classification.

Dr. Peter K. Rogan Lab, Western University
No classification provided (evidence only). Condition: Ovarian serous cystadenocarcinoma. Review status: no classification provided. Collection method: in vitro. Allele origin: not applicable. Functional consequence: retained intron. Not counted in ClinVar's aggregate classification.

Dr. Peter K. Rogan Lab, Western University
No classification provided (evidence only). Condition: Ovarian serous cystadenocarcinoma. Review status: no classification provided. Collection method: in vitro. Allele origin: not applicable. Functional consequence: retained intron. Not counted in ClinVar's aggregate classification.

Dr. Peter K. Rogan Lab, Western University
No classification provided (evidence only). Condition: Malignant tumor of esophagus. Review status: no classification provided. Collection method: in vitro. Allele origin: not applicable. Functional consequence: retained intron. Not counted in ClinVar's aggregate classification.

NM_001982.4(ERBB3):c.2460+28A>G

Gene: ERBB3 (erb-b2 receptor tyrosine kinase 3; plus strand). Cytogenetic location: 12q13.2.
Variant type: single nucleotide variant.
Coding change: c.2460+28A>G on transcript NM_001982.4 (MANE Select); 28 bases into the intron after coding-DNA position 2460, A replaced by G.
Molecular consequence: intron variant.
Genome position (GRCh38, 1-based): chr12:56,097,258, A>G. VCF-style: chr12-56097258-A-G. GRCh37 (hg19) VCF-style: chr12-56491042-A-G.
Other names: NC_000012.11:g.56491042A>G.
Identifiers: ClinVar variation 4386591 (VCV004386591.6).